The following is an entry in ClinVar:

NM_015160.3(PMPCA):c.1098C>T (p.Asn366=)

Gene: PMPCA (peptidase, mitochondrial processing subunit alpha; plus strand). Cytogenetic location: 9q34.3.
Variant type: single nucleotide variant.
Coding change: c.1098C>T on transcript NM_015160.3 (MANE Select); coding-DNA position 1098, C replaced by T.
Protein change: p.Asn366=; no amino-acid change (asparagine 366 retained).
Molecular consequence: synonymous variant.
Genome position (GRCh38, 1-based): chr9:136,418,662, C>T. VCF-style: chr9-136418662-C-T. GRCh37 (hg19) VCF-style: chr9-139313114-C-T.
Other names: c.705C>T, p.Asn235= (NM_001282944.2); c.798C>T, p.Asn266= (NM_001282946.2).
Identifiers: ClinVar variation 2152566 (VCV002152566.32), dbSNP rs149990397, ClinGen allele CA5336284.

ClinVar aggregate classification (germline): Likely benign. Review status: criteria provided, multiple submitters, no conflicts (2 of 4 stars). 2 submissions from 2 submitters: Likely benign (2). Last evaluated 2023-03-01.

Allele frequency attached by ClinVar (database versions not stated): gnomAD 0.00001; TOPMed 0.00002; ExAC 0.00008; ESP Exome Variant Server 0.00008.
gnomAD v4.1: 100 of 1,607,452 alleles (0.0062%); highest among the groups gnomAD compares: South Asian, 0.029%; 1 homozygote.

Submissions (2):

CeGaT Center for Human Genetics Tuebingen
Classification: Likely benign. Last evaluated: 2023-03-01. Review status: criteria provided, single submitter. Criteria: CeGaT Center For Human Genetics Tuebingen Variant Classification Criteria Version 2. Collection method: clinical testing. Allele origin: germline. Affected: yes. Observed: 1 variant allele.
Comment: PMPCA: BP4, BP7

Labcorp Genetics (formerly Invitae), Labcorp
Classification: Likely benign. Last evaluated: 2021-12-22. Review status: criteria provided, single submitter. Criteria: Invitae Variant Classification Sherloc (09022015). Collection method: clinical testing. Allele origin: germline.